The following is an entry in ClinVar:

ClinVar aggregate classification (germline): Benign. Review status: criteria provided, multiple submitters, no conflicts (2 of 4 stars). 3 submissions from 3 submitters: Benign (2). 1 of the submissions does not count toward it. Last evaluated 2019-12-31.

Allele frequency attached by ClinVar (database versions not stated): gnomAD exomes 0.00087 and 0.00212; ExAC 0.00275; gnomAD 0.00749; TOPMed 0.00915; ESP Exome Variant Server 0.00992; 1000 Genomes Project 0.01138; 1000 Genomes Project 30x 0.01140.
gnomAD v4.1: 2,590 of 1,614,070 alleles (0.16%); highest among the groups gnomAD compares: African/African-American, 3%; 37 homozygotes.

Submissions (7):

Labcorp Genetics (formerly Invitae), Labcorp
Classification: Benign. Last evaluated: 2019-12-31. Review status: criteria provided, single submitter. Criteria: Invitae Variant Classification Sherloc (09022015). Collection method: clinical testing. Allele origin: germline.

Breakthrough Genomics
Classification: Benign. Review status: criteria provided, single submitter. Criteria: ACMG Guidelines, 2015. Collection method: not provided. Allele origin: germline. Inheritance: Autosomal dominant inheritance. Affected: yes.

ITMI
No classification provided. Condition: AllHighlyPenetrant. Last evaluated: 2013-09-19. Review status: no classification provided. Collection method: reference population. Allele origin: germline. Not counted in ClinVar's aggregate classification.
Comment: Please see associated publication for description of ethnicities

Dr. Peter K. Rogan Lab, Western University
No classification provided (evidence only). Condition: Thyroid cancer, nonmedullary, 1. Review status: no classification provided. Collection method: in vitro. Allele origin: not applicable. Functional consequence: retained intron. Not counted in ClinVar's aggregate classification.

Dr. Peter K. Rogan Lab, Western University
No classification provided (evidence only). Condition: Uterine corpus endometrial carcinoma. Review status: no classification provided. Collection method: in vitro. Allele origin: not applicable. Functional consequence: retained intron. Not counted in ClinVar's aggregate classification.

Dr. Peter K. Rogan Lab, Western University
No classification provided (evidence only). Condition: Uterine corpus endometrial carcinoma. Review status: no classification provided. Collection method: in vitro. Allele origin: not applicable. Functional consequence: retained intron. Not counted in ClinVar's aggregate classification.

Dr. Peter K. Rogan Lab, Western University
No classification provided (evidence only). Condition: Malignant tumor of esophagus. Review status: no classification provided. Collection method: in vitro. Allele origin: not applicable. Functional consequence: retained intron. Not counted in ClinVar's aggregate classification.

Literature cited by the submitters: PubMed 24728327 (cited by ITMI).

NM_004119.3(FLT3):c.2962G>C (p.Ala988Pro)

Gene: FLT3 (fms related receptor tyrosine kinase 3; minus strand). Cytogenetic location: 13q12.2.
Variant type: single nucleotide variant.
Coding change: c.2962G>C on transcript NM_004119.3 (MANE Select); coding-DNA position 2962, G replaced by C.
Protein change: p.Ala988Pro; replaces alanine 988 with proline.
Molecular consequence: missense variant. On other transcripts: non-coding transcript variant (1).
Genome position (GRCh38, 1-based): chr13:28,004,072, C>G on the plus strand (G>C on the coding strand, the complement: FLT3 is on the minus strand). VCF-style: chr13-28004072-C-G. GRCh37 (hg19) VCF-style: chr13-28578209-C-G.
Other names: NC_000013.10:g.28578209C>G; short protein forms A988P.
Identifiers: ClinVar variation 134441 (VCV000134441.7), dbSNP rs74041526, ClinGen allele CA159828.